The following is an entry in ClinVar:

ClinVar aggregate classification (germline): Uncertain significance (1 of 4 stars; one submission).

Allele frequency attached by ClinVar (database versions not stated): gnomAD exomes 0.00002 and 0.00004; TOPMed 0.00003; gnomAD 0.00004; ExAC 0.00009.

Submission:

Labcorp Genetics (formerly Invitae), Labcorp
Classification: Uncertain significance. Last evaluated: 2025-01-06. Review status: criteria provided, single submitter. Criteria: Invitae Variant Classification Sherloc (09022015). Collection method: clinical testing. Allele origin: germline.
Comment: This sequence change replaces arginine, which is basic and polar, with glutamine, which is neutral and polar, at codon 53 of the MYH14 protein (p.Arg53Gln). The frequency data for this variant in the population databases is considered unreliable, as metrics indicate poor data quality at this position in the gnomAD database. This variant has not been reported in the literature in individuals affected with MYH14-related conditions. ClinVar contains an entry for this variant (Variation ID: 1495050). Invitae Evidence Modeling of protein sequence and biophysical properties (such as structural, functional, and spatial information, amino acid conservation, physicochemical variation, residue mobility, and thermodynamic stability) indicates that this missense variant is not expected to disrupt MYH14 protein function with a negative predictive value of 80%. In summary, the available evidence is currently insufficient to determine the role of this variant in disease. Therefore, it has been classified as a Variant of Uncertain Significance.

NM_001145809.2(MYH14):c.158G>A (p.Arg53Gln)

Gene: MYH14 (myosin heavy chain 14; plus strand). Cytogenetic location: 19q13.33.
Variant type: single nucleotide variant.
Coding change: c.158G>A on transcript NM_001145809.2 (MANE Select); coding-DNA position 158, G replaced by A.
Protein change: p.Arg53Gln; replaces arginine 53 with glutamine.
Molecular consequence: missense variant.
Genome position (GRCh38, 1-based): chr19:50,210,523, G>A. VCF-style: chr19-50210523-G-A. GRCh37 (hg19) VCF-style: chr19-50713780-G-A.
Other names: c.158G>A, p.Arg53Gln (NM_001077186.2, NM_024729.4); short protein forms R53Q.
Identifiers: ClinVar variation 1495050 (VCV001495050.6), dbSNP rs751476713, ClinGen allele CA9592202.
Genomic context (GRCh38, chr19:50,210,523, plus strand): 5'-GGCCCAGCGCGGGTGGCGGGCCTGGCTCGGGCACCTCCCCGCAGGTGGAGTGGACGGCCC[G>A]GCGTCTCGTGTGGGTGCCTTCGGAGCTTCACGGGTTCGAGGCGGCGGCGCTGCGGGACGA-3'
Protein context (NP_001139281.1, residues 43-63): GTSPQVEWTA[Arg53Gln]RLVWVPSELH